The following is an entry in ClinVar:

ClinVar aggregate classification (germline): Uncertain significance (1 of 4 stars; one submission).

Conditions:
Hereditary nonpolyposis colorectal neoplasms. Identifiers: MedGen C0009405, MeSH D003123.

Submission:

Labcorp Genetics (formerly Invitae), Labcorp
Classification: Uncertain significance for Hereditary nonpolyposis colorectal neoplasms. Last evaluated: 2022-08-31. Review status: criteria provided, single submitter. Criteria: Invitae Variant Classification Sherloc (09022015). Collection method: clinical testing. Allele origin: germline.
Comment: This sequence change replaces leucine, which is neutral and non-polar, with phenylalanine, which is neutral and non-polar, at codon 565 of the PMS2 protein (p.Leu565Phe). This variant is not present in population databases (gnomAD no frequency). This variant has not been reported in the literature in individuals affected with PMS2-related conditions. Advanced modeling of protein sequence and biophysical properties (such as structural, functional, and spatial information, amino acid conservation, physicochemical variation, residue mobility, and thermodynamic stability) performed at Invitae indicates that this missense variant is not expected to disrupt PMS2 protein function. In summary, the available evidence is currently insufficient to determine the role of this variant in disease. Therefore, it has been classified as a Variant of Uncertain Significance.

NM_000535.7(PMS2):c.1695G>T (p.Leu565Phe)

Gene: PMS2 (PMS1 homolog 2, mismatch repair system component; minus strand). Cytogenetic location: 7p22.1.
Variant type: single nucleotide variant.
Coding change: c.1695G>T on transcript NM_000535.7 (MANE Select); coding-DNA position 1695, G replaced by T.
Protein change: p.Leu565Phe; replaces leucine 565 with phenylalanine.
Molecular consequence: missense variant. On other transcripts: non-coding transcript variant (1).
Genome position (GRCh38, 1-based): chr7:5,987,070, C>A on the plus strand (G>T on the coding strand, the complement: PMS2 is on the minus strand). VCF-style: chr7-5987070-C-A. GRCh37 (hg19) VCF-style: chr7-6026701-C-A.
Other names: c.762G>T, p.Leu254Phe (NM_001322011.2, NM_001322012.2); c.1122G>T, p.Leu374Phe (NM_001322013.2, NM_001406909.1); c.1695G>T, p.Leu565Phe (NM_001322014.2, NM_001406871.1, NM_001406872.1); c.1386G>T, p.Leu462Phe (NM_001322015.2, NM_001406881.1, NM_001406882.1 and 5 more transcripts); c.1881G>T, p.Leu627Phe (NM_001406866.1); c.1719G>T, p.Leu573Phe (NM_001406868.1); c.1587G>T, p.Leu529Phe (NM_001406869.1); c.1539G>T, p.Leu513Phe (NM_001406870.1, NM_001322006.2); and 12 more; short protein forms L254F, L308F, L374F, L378F, L394F, L407F, L410F, L430F.
Identifiers: ClinVar variation 1718523 (VCV001718523.5), dbSNP rs2128725175, ClinGen allele CA366741163.